The following is an entry in ClinVar:

ClinVar aggregate classification (germline): Conflicting classifications of pathogenicity. Review status: criteria provided, conflicting classifications (1 of 4 stars). 2 submissions from 2 submitters: Likely pathogenic (1); Uncertain significance (1). Last evaluated 2025-10-29.

Conditions:
Nemaline myopathy 2 (NEM2). Also called: Nemaline myopathy 2, autosomal recessive. Identifiers: MedGen C1850569, MONDO:0009725, OMIM 256030.

Submissions (2):

Myriad Genetics, Inc.
Classification: Uncertain significance for Nemaline myopathy 2. Last evaluated: 2025-10-29. Review status: criteria provided, single submitter. Criteria: Myriad Autosomal Dominant, Autosomal Recessive and X-Linked Classification Criteria (2023). Collection method: clinical testing. Allele origin: unknown.
Comment: NM_001271208.1(NEB):c.23556+1G>A is a variant in a canonical splice site classified as a variant of uncertain significance in the context of NEB-related nemaline myopathy. c.23556+1G>A has not been observed in cases with relevant disease. Relevant functional assessments of this variant are not available in the literature. c.23556+1G>A has not been observed in referenced population frequency databases. In summary, there is insufficient evidence to classify NM_001271208.1(NEB):c.23556+1G>A as pathogenic or benign. Please note: this variant was assessed in the context of healthy population screening.

Labcorp Genetics (formerly Invitae), Labcorp
Classification: Likely pathogenic for Nemaline myopathy 2. Last evaluated: 2023-04-28. Review status: criteria provided, single submitter. Criteria: Invitae Variant Classification Sherloc (09022015). Collection method: clinical testing. Allele origin: germline.
Comment: Algorithms developed to predict the effect of sequence changes on RNA splicing suggest that this variant may disrupt the consensus splice site. In summary, the currently available evidence indicates that the variant is pathogenic, but additional data are needed to prove that conclusively. Therefore, this variant has been classified as Likely Pathogenic. This variant has not been reported in the literature in individuals affected with NEB-related conditions. This variant is not present in population databases (gnomAD no frequency). This sequence change affects a donor splice site in intron 163 of the NEB gene. It is expected to disrupt RNA splicing. Variants that disrupt the donor or acceptor splice site typically lead to a loss of protein function (PMID: 16199547), and loss-of-function variants in NEB are known to be pathogenic (PMID: 25205138).

Literature cited by the submitters: PubMed 16199547 (cited by Labcorp Genetics (formerly Invitae), Labcorp); PubMed 25205138 (cited by Labcorp Genetics (formerly Invitae), Labcorp).

NM_001164508.2(NEB):c.23451+1G>A

Genes: NEB (nebulin; minus strand), RIF1 (replication timing regulatory factor 1; plus strand). Cytogenetic location: 2q23.3.
Variant type: single nucleotide variant.
Coding change: c.23451+1G>A on transcript NM_001164508.2 (MANE Select); the canonical splice donor site of the intron after coding-DNA position 23451, G replaced by A.
Molecular consequence: splice donor variant.
Genome position (GRCh38, 1-based): chr2:151,508,004, C>T on the plus strand (G>A on the coding strand, the complement: NEB is on the minus strand). VCF-style: chr2-151508004-C-T. GRCh37 (hg19) VCF-style: chr2-152364518-C-T.
Other names: c.18348+1G>A (NM_004543.5); c.23451+1G>A (NM_001164507.2); c.23556+1G>A (NM_001271208.2).
Identifiers: ClinVar variation 2807215 (VCV002807215.4), dbSNP rs1011425121, ClinGen allele CA348784999.
Genomic context (GRCh38, chr2:151,508,004, plus strand): 5'-GCATCTTCCTCAGCACCCCTAGGTGCCTGTGGGCTGTGCCTTACATTTAATAAAAACTTA[C>T]AAGGCTGAAGTTCTTTTGGTTCTCCCGGACTCTCTGTATCTCTGGGGTGTCCAAAACAGT-3'